The following is an entry in ClinVar:

ClinVar aggregate classification (germline): Likely pathogenic (1 of 4 stars; one submission).

Conditions:
Primary hyperoxaluria, type I (HP1). Also called: OXALOSIS I; Primary hyperoxaluria type 1; GLYCOLIC ACIDURIA; HEPATIC AGT DEFICIENCY. Identifiers: Orphanet 416, Orphanet 93598, MedGen C0268164, MONDO:0009823, OMIM 259900. Disease mechanism: loss of function.

Submission:

Natera, Inc.
Classification: Likely pathogenic for Primary hyperoxaluria type I. Last evaluated: 2025-09-22. Review status: criteria provided, single submitter. Criteria: Natera Variant Classification Schema (03/2026). Collection method: clinical testing. Allele origin: germline.
Comment: The c.648_651del variant in AGXT is a frameshift variant predicted to shift the reading frame beginning at codon 217 and leads to a stop codon 55 codons downstream. This variant is expected to result in nonsense mediated decay, truncation, or a dysfunctional protein product. This variant is rare in the general population with a frequency below the threshold expected for the associated phenotype(s). Given the available evidence, this variant is classified as Likely Pathogenic.

NM_000030.3(AGXT):c.648_651del (p.Thr217fs)

Gene: AGXT (alanine--glyoxylate aminotransferase; plus strand). Cytogenetic location: 2q37.3.
Variant type: Deletion.
Coding change: c.648_651del on transcript NM_000030.3 (MANE Select); coding-DNA positions 648 to 651, 4 bases deleted (GACC; older notation c.648_651delGACC).
Protein change: p.Thr217fs; shifts the reading frame from threonine 217.
Molecular consequence: frameshift variant.
Genome position (GRCh38, 1-based): chr2:240,874,030-240,874,033, GACC deleted. VCF-style (leftmost placement, unchanged base first): chr2-240874029-GGACC-G. GRCh37 (hg19) VCF-style: chr2-241813446-GGACC-G.
Other names: short protein forms T217fs.
Identifiers: ClinVar variation 4818034 (VCV004818034.1).